The following is an entry in ClinVar:

NM_138694.4(PKHD1):c.4444G>T (p.Glu1482Ter)

Gene: PKHD1 (PKHD1 ciliary IPT domain containing fibrocystin/polyductin; minus strand). Cytogenetic location: 6p12.2.
Variant type: single nucleotide variant.
Coding change: c.4444G>T on transcript NM_138694.4 (MANE Select); coding-DNA position 4444, G replaced by T.
Protein change: p.Glu1482Ter; replaces glutamic acid 1482 with a stop codon.
Molecular consequence: nonsense.
Genome position (GRCh38, 1-based): chr6:52,025,366, C>A on the plus strand (G>T on the coding strand, the complement: PKHD1 is on the minus strand). VCF-style: chr6-52025366-C-A. GRCh37 (hg19) VCF-style: chr6-51890164-C-A.
Other names: c.4444G>T, p.Glu1482Ter (NM_170724.3); short protein forms E1482*.
Identifiers: ClinVar variation 4816665 (VCV004816665.1).
Genomic context (GRCh38, chr6:52,025,366, plus strand): 5'-CAGTGGTCAGAGACCCACTGGTGTTTGTGGACAAGGCATCCATGACAGGACTTGCCTCTT[C>A]CCTTATGAAAAGAGTGCAATTCCCCTGACACTCGCTGGTTAGCCCATTGACCAGGACTGT-3'

ClinVar aggregate classification (germline): Likely pathogenic (1 of 4 stars; one submission).

Conditions:
Autosomal recessive polycystic kidney disease (ARPKD). Also called: AR polycystic kidney disease. Identifiers: Orphanet 731, Orphanet 8378, MedGen C0085548, MeSH D017044, MONDO:0009889.

Submission:

Natera, Inc.
Classification: Likely pathogenic for Autosomal recessive polycystic kidney disease. Last evaluated: 2024-10-25. Review status: criteria provided, single submitter. Criteria: Natera Variant Classification Schema (03/2026). Collection method: clinical testing. Allele origin: germline.
Comment: The c.4444G>T variant in PKHD1 is a nonsense variant predicted to introduce a stop codon at amino acid 1482. This variant is expected to result in nonsense mediated decay, truncation, or a dysfunctional protein product. This variant is rare in the general population with a frequency below the threshold expected for the associated phenotype(s). Given the available evidence, this variant is classified as Likely Pathogenic.